The following is an entry in ClinVar:

NM_170682.4(P2RX2):c.426C>A (p.Cys142Ter)

Gene: P2RX2 (purinergic receptor P2X 2; plus strand). Cytogenetic location: 12q24.33.
Variant type: single nucleotide variant.
Coding change: c.426C>A on transcript NM_170682.4 (MANE Select); coding-DNA position 426, C replaced by A.
Protein change: p.Cys142Ter; replaces cysteine 142 with a stop codon.
Molecular consequence: nonsense. On other transcripts: intron variant (1).
Genome position (GRCh38, 1-based): chr12:132,619,888, C>A. VCF-style: chr12-132619888-C-A. GRCh37 (hg19) VCF-style: chr12-133196474-C-A.
Other names: c.354C>A, p.Cys118Ter (NM_001282164.2, NM_016318.4); c.426C>A, p.Cys142Ter (NM_001282165.2, NM_170683.4, NM_174873.3); c.150C>A, p.Cys50Ter (NM_174872.3); c.242-112C>A (NM_012226.5); short protein forms C118*, C142*, C50*.
Identifiers: ClinVar variation 731381 (VCV000731381.11), dbSNP rs201447971, ClinGen allele CA6891491.

ClinVar aggregate classification (germline): Benign/Likely benign. Review status: criteria provided, multiple submitters, no conflicts (2 of 4 stars). 3 submissions from 3 submitters: Benign (2); Likely benign (1). Last evaluated 2025-08-21.

Allele frequency attached by ClinVar (database versions not stated): TOPMed 0.00006; 1000 Genomes Project 30x 0.00031; gnomAD exomes 0.00032 and 0.00077; 1000 Genomes Project 0.00040; gnomAD 0.00066 and 0.00068; ExAC 0.00073.

Submissions (3):

Labcorp Genetics (formerly Invitae), Labcorp
Classification: Benign. Last evaluated: 2025-08-21. Review status: criteria provided, single submitter. Criteria: Invitae Variant Classification Sherloc (09022015). Collection method: clinical testing. Allele origin: germline.

Women's Health and Genetics/Laboratory Corporation of America, LabCorp
Classification: Benign. Last evaluated: 2025-05-13. Review status: criteria provided, single submitter. Criteria: LabCorp Variant Classification Summary - May 2015. Collection method: clinical testing. Allele origin: germline.
Comment: Variant summary: P2RX2 c.426C>A (p.Cys142X) results in a premature termination codon, predicted to cause a truncation of the encoded protein or absence of the protein due to nonsense mediated decay, however current evidence is not sufficient to establish loss of function as a mechanism for disease. The variant allele was found at a frequency of 0.00035 in 1414168 control chromosomes, predominantly at a frequency of 0.0086 within the Finnish subpopulation in the gnomAD database, including 4 homozygotes. The observed variant frequency within Finnish control individuals in the gnomAD database exceeds the estimated maximal expected allele frequency for a pathogenic variant in P2RX2 causing Autosomal Dominant Nonsyndromic Hearing Loss 41 phenotype. To our knowledge, no occurrence of c.426C>A in individuals affected with Autosomal Dominant Nonsyndromic Hearing Loss 41 and no experimental evidence demonstrating its impact on protein function have been reported. ClinVar contains an entry for this variant (Variation ID: 731381). Based on the evidence outlined above, the variant was classified as benign.

Blueprint Genetics
Classification: Likely benign. Last evaluated: 2024-09-17. Review status: criteria provided, single submitter. Criteria: ACMG Guidelines, 2015. Collection method: clinical testing. Allele origin: germline.